The following is an entry in ClinVar:

ClinVar aggregate classification (germline): Uncertain significance (1 of 4 stars; one submission).

Conditions:
Familial thoracic aortic aneurysm and aortic dissection (TAAD). Also called: Thoracic aortic aneurysms and dissections. Identifiers: Orphanet 91387, MedGen C4707243, MONDO:0019625.

Submission:

Ambry Genetics
Classification: Uncertain significance for Familial thoracic aortic aneurysm and aortic dissection. Last evaluated: 2016-12-08. Review status: criteria provided, single submitter. Criteria: Ambry Variant Classification Scheme 2023. Collection method: clinical testing. Allele origin: germline.
Comment: The p.D369H variant (also known as c.1105G>C), located in coding exon 7 of the COL5A1 gene, results from a G to C substitution at nucleotide position 1105. The aspartic acid at codon 369 is replaced by histidine, an amino acid with similar properties. This amino acid position is not well conserved in available vertebrate species. In addition, this alteration is predicted to be tolerated by in silico analysis. Since supporting evidence is limited at this time, the clinical significance of this alteration remains unclear.

NM_000093.5(COL5A1):c.1105G>C (p.Asp369His)

Gene: COL5A1 (collagen type V alpha 1 chain; plus strand). Cytogenetic location: 9q34.3.
Variant type: single nucleotide variant.
Coding change: c.1105G>C on transcript NM_000093.5 (MANE Select); coding-DNA position 1105, G replaced by C.
Protein change: p.Asp369His; replaces aspartic acid 369 with histidine.
Molecular consequence: missense variant.
Genome position (GRCh38, 1-based): chr9:134,730,416, G>C. VCF-style: chr9-134730416-G-C. GRCh37 (hg19) VCF-style: chr9-137622262-G-C.
Other names: c.1105G>C, p.Asp369His (NM_001278074.1); short protein forms D369H.
Identifiers: ClinVar variation 519641 (VCV000519641.5), dbSNP rs777935807, ClinGen allele CA201108223.